The following is an entry in ClinVar:

NM_001148.6(ANK2):c.10500A>T (p.Glu3500Asp)

Gene: ANK2 (ankyrin 2; plus strand). Cytogenetic location: 4q26.
Variant type: single nucleotide variant.
Coding change: c.10500A>T on transcript NM_001148.6 (MANE Select); coding-DNA position 10500, A replaced by T.
Protein change: p.Glu3500Asp; replaces glutamic acid 3500 with aspartic acid.
Molecular consequence: missense variant. On other transcripts: intron variant (68).
Genome position (GRCh38, 1-based): chr4:113,359,118, A>T. VCF-style: chr4-113359118-A-T. GRCh37 (hg19) VCF-style: chr4-114280274-A-T.
Other names: c.10266A>T, p.Glu3422Asp (NM_001386142.1); c.6900A>T, p.Glu2300Asp (NM_001386166.1); c.10641A>T, p.Glu3547Asp (NM_001386174.1); c.10617A>T, p.Glu3539Asp (NM_001386175.1); c.4412-1705A>T (NM_001386186.2, NM_001386148.2); c.4214-1705A>T (NM_001354269.3); c.4292-1705A>T (NM_001386187.2); c.4253-1705A>T (NM_001386147.1); and 35 more; short protein forms E3547D, E3422D, E2300D, E3500D, E3539D.
Identifiers: ClinVar variation 3540321 (VCV003540321.1).

ClinVar aggregate classification (germline): Uncertain significance (1 of 4 stars; one submission).

Conditions:
Cardiovascular phenotype. Identifiers: MedGen CN230736.

Submission:

Ambry Genetics
Classification: Uncertain significance for Cardiovascular phenotype. Last evaluated: 2024-10-28. Review status: criteria provided, single submitter. Criteria: Ambry Variant Classification Scheme 2023. Collection method: clinical testing. Allele origin: germline.
Comment: The p.E3500D variant (also known as c.10500A>T), located in coding exon 38 of the ANK2 gene, results from an A to T substitution at nucleotide position 10500. The glutamic acid at codon 3500 is replaced by aspartic acid, an amino acid with highly similar properties. This amino acid position is conserved. In addition, this alteration is predicted to be tolerated by in silico analysis. Based on the available evidence, the clinical significance of this variant remains unclear.